The following is an entry in ClinVar:

ClinVar aggregate classification (germline): Likely pathogenic. Review status: criteria provided, multiple submitters, no conflicts (2 of 4 stars). 2 submissions from 2 submitters: Likely pathogenic (2). Last evaluated 2025-08-09.

Conditions:
Dilated cardiomyopathy 1G (CMD1G). Identifiers: Orphanet 154, MedGen C1858763, MONDO:0011400, OMIM 604145.
Autosomal recessive limb-girdle muscular dystrophy type 2J (LGMDR10). Also called: MUSCULAR DYSTROPHY, LIMB-GIRDLE, AUTOSOMAL RECESSIVE 10; Limb-girdle muscular dystrophy, type 2J. Identifiers: Orphanet 140922, MedGen C1837342, MONDO:0012127, OMIM 608807.
Cardiovascular phenotype. Identifiers: MedGen CN230736.

Submissions (2):

Labcorp Genetics (formerly Invitae), Labcorp
Classification: Likely pathogenic for Dilated cardiomyopathy 1G; Autosomal recessive limb-girdle muscular dystrophy type 2J. Last evaluated: 2025-08-09. Review status: criteria provided, single submitter. Criteria: Invitae Variant Classification Sherloc (09022015). Collection method: clinical testing. Allele origin: germline.
Comment: This sequence change creates a premature translational stop signal (p.Val18476Serfs*15) in the TTN gene. While this is not anticipated to result in nonsense mediated decay, it is expected to create a truncated TTN protein. This variant is not present in population databases (gnomAD no frequency). This variant has not been reported in the literature in individuals affected with TTN-related conditions. ClinVar contains an entry for this variant (Variation ID: 2942142). This variant is located in the A band of TTN (PMID: 25589632). Truncating variants in this region are significantly overrepresented in patients affected with dilated cardiomyopathy (PMID: 25589632). Truncating variants in this region have also been reported in individuals affected with autosomal recessive centronuclear myopathy (PMID: 23975875). In summary, the currently available evidence indicates that the variant is pathogenic, but additional data are needed to prove that conclusively. Therefore, this variant has been classified as Likely Pathogenic.

Ambry Genetics
Classification: Likely pathogenic for Cardiovascular phenotype. Last evaluated: 2023-11-22. Review status: criteria provided, single submitter. Criteria: Ambry Variant Classification Scheme 2023. Collection method: clinical testing. Allele origin: germline.
Comment: The c.28230dupA variant, located in coding exon 113 of the TTN gene, results from a duplication of A at nucleotide position 28230, causing a translational frameshift with a predicted alternate stop codon (p.V9411Sfs*15). This exon is located in the A-band region of the N2-B isoform of the titin protein and is constitutively expressed in TTN transcripts (percent spliced in or PSI 100%). This alteration is expected to result in loss of function by premature protein truncation or nonsense-mediated mRNA decay. While truncating variants in TTN are present in 1-3% of the general population, truncating variants in the A-band are the most common cause of dilated cardiomyopathy (DCM) (Herman DS et al. N. Engl. J. Med., 2012 Feb;366:619-28; Roberts AM et al. Sci Transl Med, 2015 Jan;7:270ra6). TTN truncating variants encoded in constitutive exons (PSI >90%) have been found to be significantly associated with DCM regardless of their position in titin (Schafer S et al. Nat. Genet., 2017 01;49:46-53). This variant is also considered to be rare based on population cohorts in the Genome Aggregation Database (gnomAD). Based on the majority of available evidence to date, this variant is likely to be pathogenic.

Literature cited by the submitters: PubMed 25589632 (cited by Labcorp Genetics (formerly Invitae), Labcorp); PubMed 23975875 (cited by Labcorp Genetics (formerly Invitae), Labcorp).

NM_001267550.2(TTN):c.55425dup (p.Val18476fs)

Genes: TTN-AS1 (TTN antisense RNA 1; plus strand), TTN (titin; minus strand). Cytogenetic location: 2q31.2.
Variant type: Duplication.
Coding change: c.55425dup on transcript NM_001267550.2 (MANE Select); coding-DNA position 55425, one base duplicated (A; older notation c.55425dupA).
Protein change: p.Val18476fs; shifts the reading frame from valine 18476.
Molecular consequence: frameshift variant.
Genome position (GRCh38, 1-based): chr2:178,601,665, T duplicated on the plus strand (A on the coding strand, the reverse complement: TTN is on the minus strand); the first of 3 consecutive T bases (chr2:178,601,665-178,601,667); duplicating any one gives the same sequence. VCF-style (leftmost placement, unchanged base first): chr2-178601664-C-CT. GRCh37 (hg19) VCF-style: chr2-179466391-C-CT.
Other names: c.28230dupA (NM_003319.4); c.50502dup, p.Val16835fs (NM_001256850.1); c.28230dup, p.Val9411fs (NM_003319.4); c.47721dup, p.Val15908fs (NM_133378.4); c.28605dup, p.Val9536fs (NM_133432.3); c.28806dup, p.Val9603fs (NM_133437.4); short protein forms V16835fs, V9411fs, V9536fs, V9603fs, V15908fs, V18476fs.
Identifiers: ClinVar variation 2942142 (VCV002942142.4), dbSNP rs2470012385, ClinGen allele CA2740096096.